The following is an entry in ClinVar:

NM_002547.3(OPHN1):c.1526+6T>C

Gene: OPHN1 (oligophrenin 1; minus strand). Cytogenetic location: Xq12.
Variant type: single nucleotide variant.
Coding change: c.1526+6T>C on transcript NM_002547.3 (MANE Select); 6 bases into the intron after coding-DNA position 1526, T replaced by C.
Molecular consequence: intron variant.
Genome position (GRCh38, 1-based): chrX:68,111,848, A>G on the plus strand (T>C on the coding strand, the complement: OPHN1 is on the minus strand). VCF-style: chrX-68111848-A-G. GRCh37 (hg19) VCF-style: chrX-67331690-A-G.
Other names: c.1526+6T>C (NM_001437258.1).
Identifiers: ClinVar variation 4525987 (VCV004525987.1).

ClinVar aggregate classification (germline): Uncertain significance (1 of 4 stars; one submission).

gnomAD v4.1: 4 of 1,159,151 alleles (0.00035%); highest among the groups gnomAD compares: Non-Finnish European, 0.00047%; no homozygotes.

Submission:

Women's Health and Genetics/Laboratory Corporation of America, LabCorp
Classification: Uncertain significance. Last evaluated: 2025-07-29. Review status: criteria provided, single submitter. Criteria: LabCorp Variant Classification Summary - May 2015. Collection method: clinical testing. Allele origin: germline.
Comment: Variant summary: OPHN1 c.1526+6T>C alters a conserved nucleotide located close to a canonical splice site and therefore could affect mRNA splicing, leading to a significantly altered protein sequence. Consensus agreement among computation tools predict no significant impact on normal splicing. However, these predictions have yet to be confirmed by functional studies. The variant was absent in 183038 control chromosomes. The available data on variant occurrences in the general population are insufficient to allow any conclusion about variant significance. To our knowledge, no occurrence of c.1526+6T>C in individuals affected with X-Linked Intellectual Disability-Cerebellar Hypoplasia Syndrome and no experimental evidence demonstrating its impact on protein function have been reported. No submitters have cited clinical-significance assessments for this variant to ClinVar. Based on the evidence outlined above, the variant was classified as uncertain significance.